The following is an entry in ClinVar:

NM_015192.4(PLCB1):c.3336+3A>G

Gene: PLCB1 (phospholipase C beta 1; plus strand). Cytogenetic location: 20p12.3.
Variant type: single nucleotide variant.
Coding change: c.3336+3A>G on transcript NM_015192.4 (MANE Select); 3 bases into the intron after coding-DNA position 3336, A replaced by G.
Molecular consequence: intron variant.
Genome position (GRCh38, 1-based): chr20:8,789,578, A>G. VCF-style: chr20-8789578-A-G. GRCh37 (hg19) VCF-style: chr20-8770225-A-G.
Other names: c.3336+3A>G (NM_182734.3).
Identifiers: ClinVar variation 856933 (VCV000856933.8), dbSNP rs773248262, ClinGen allele CA9760519.
Genomic context (GRCh38, chr20:8,789,578, plus strand): 5'-GGAGAAGACAGAGATGATCCGGTCATATATCCAGGAAGTGGTGCAGTATATCAAGAGGGT[A>G]TGTGGGCTCATCACGCTCTCTCCTTTGCAAAACATGTGTGAACATTTGGTGAGCTCGCTG-3'

ClinVar aggregate classification (germline): Uncertain significance. Review status: criteria provided, multiple submitters, no conflicts (2 of 4 stars). 2 submissions from 2 submitters: Uncertain significance (2). Last evaluated 2024-07-03.

Conditions:
Developmental and epileptic encephalopathy, 12 (DEE12). Identifiers: MedGen C3150988, MONDO:0013389, OMIM 613722.

Allele frequency attached by ClinVar (database versions not stated): gnomAD below 0.00001 and 0.00001; gnomAD exomes 0.00001 and 0.00002; TOPMed 0.00001; ExAC 0.00002.
gnomAD v4.1: 9 of 1,600,738 alleles (0.00056%); highest among the groups gnomAD compares: East Asian, 0.0067%; no homozygotes.

Submissions (2):

Labcorp Genetics (formerly Invitae), Labcorp
Classification: Uncertain significance for Developmental and epileptic encephalopathy, 12. Last evaluated: 2024-07-03. Review status: criteria provided, single submitter. Criteria: Invitae Variant Classification Sherloc (09022015). Collection method: clinical testing. Allele origin: germline.
Comment: This sequence change falls in intron 30 of the PLCB1 gene. It does not directly change the encoded amino acid sequence of the PLCB1 protein. It affects a nucleotide within the consensus splice site. This variant is present in population databases (rs773248262, gnomAD 0.02%). This variant has not been reported in the literature in individuals affected with PLCB1-related conditions. ClinVar contains an entry for this variant (Variation ID: 856933). Variants that disrupt the consensus splice site are a relatively common cause of aberrant splicing (PMID: 17576681, 9536098). Algorithms developed to predict the effect of sequence changes on RNA splicing suggest that this variant may disrupt the consensus splice site. In summary, the available evidence is currently insufficient to determine the role of this variant in disease. Therefore, it has been classified as a Variant of Uncertain Significance.

Fulgent Genetics
Classification: Uncertain significance for Developmental and epileptic encephalopathy, 12. Last evaluated: 2022-02-18. Review status: criteria provided, single submitter. Criteria: ACMG Guidelines, 2015. Collection method: clinical testing. Allele origin: unknown.

Literature cited by the submitters: PubMed 17576681 (cited by Labcorp Genetics (formerly Invitae), Labcorp); PubMed 9536098 (cited by Labcorp Genetics (formerly Invitae), Labcorp).